The following is an entry in ClinVar:

ClinVar aggregate classification (germline): Benign. Review status: criteria provided, multiple submitters, no conflicts (2 of 4 stars). 4 submissions from 4 submitters: Benign (4). Last evaluated 2026-02-03.

Allele frequency attached by ClinVar (database versions not stated): gnomAD exomes 0.21362 and 0.28180; gnomAD 0.30514 and 0.30815; TOPMed 0.33679; ExAC 0.28308; ESP Exome Variant Server 0.29025; 1000 Genomes Project 0.42552; 1000 Genomes Project 30x 0.43051.
gnomAD v4.1: 361,630 of 1,613,720 alleles (22%); highest among the groups gnomAD compares: African/African-American, 53%; 50,283 homozygotes.

Submissions (4):

Labcorp Genetics (formerly Invitae), Labcorp
Classification: Benign. Last evaluated: 2026-02-03. Review status: criteria provided, single submitter. Criteria: Invitae Variant Classification Sherloc (09022015). Collection method: clinical testing. Allele origin: germline.

Blueprint Genetics
Classification: Benign. Last evaluated: 2024-11-28. Review status: criteria provided, single submitter. Criteria: ACMG Guidelines, 2015. Collection method: clinical testing. Allele origin: germline.

GeneDx
Classification: Benign. Last evaluated: 2018-05-14. Review status: criteria provided, single submitter. Criteria: GeneDx Variant Classification (06012015). Collection method: clinical testing. Allele origin: germline. Affected: yes.
Comment: This variant is considered likely benign or benign based on one or more of the following criteria: it is a conservative change, it occurs at a poorly conserved position in the protein, it is predicted to be benign by multiple in silico algorithms, and/or has population frequency not consistent with disease.

Breakthrough Genomics
Classification: Benign. Review status: criteria provided, single submitter. Criteria: ACMG Guidelines, 2015. Collection method: not provided. Allele origin: germline. Inheritance: Autosomal recessive inheritance. Affected: yes.

NM_015072.5(TTLL5):c.3800T>C (p.Phe1267Ser)

Gene: TTLL5 (tubulin tyrosine ligase like 5; plus strand). Cytogenetic location: 14q24.3.
Variant type: single nucleotide variant.
Coding change: c.3800T>C on transcript NM_015072.5 (MANE Select); coding-DNA position 3800, T replaced by C.
Protein change: p.Phe1267Ser; replaces phenylalanine 1267 with serine.
Molecular consequence: missense variant.
Genome position (GRCh38, 1-based): chr14:75,902,201, T>C. VCF-style: chr14-75902201-T-C. GRCh37 (hg19) VCF-style: chr14-76368544-T-C.
Other names: short protein forms F1267S.
Identifiers: ClinVar variation 677213 (VCV000677213.12), dbSNP rs1133834, ClinGen allele CA7280170.
Genomic context (GRCh38, chr14:75,902,201, plus strand): 5'-GAGGGTCCTCCGCGGAAGGGCAGCTGAATGGACTCCAGAGCAGCCTTAACCCTGCAGCCT[T>C]TGTGCCCATCACCAGCTCTACAGGTTAGTGGGCACCAGCTCTTCTGCAACTGGATAGATG-3'
Protein context (NP_055887.3, residues 1257-1277): GLQSSLNPAA[Phe1267Ser]VPITSSTDPA